The following is an entry in ClinVar:

NM_001127178.3(PIGG):c.397G>A (p.Val133Ile)

Gene: PIGG (phosphatidylinositol glycan anchor biosynthesis class G (EMM blood group); plus strand). Cytogenetic location: 4p16.3.
Variant type: single nucleotide variant.
Coding change: c.397G>A on transcript NM_001127178.3 (MANE Select); coding-DNA position 397, G replaced by A.
Protein change: p.Val133Ile; replaces valine 133 with isoleucine.
Molecular consequence: missense variant. On other transcripts: 5 prime UTR variant (4), non-coding transcript variant (10), intron variant (1).
Genome position (GRCh38, 1-based): chr4:505,754, G>A. VCF-style: chr4-505754-G-A. GRCh37 (hg19) VCF-style: chr4-499543-G-A.
Other names: c.130G>A, p.Val44Ile (NM_001289051.2, NM_001289053.2, NM_001289057.2 and 2 more transcripts); c.31G>A, p.Val11Ile (NM_001289055.2); c.-491G>A (NM_001345988.2); c.397G>A, p.Val133Ile (NM_001345989.2, NM_017733.5); c.-1229G>A (NM_001345990.2); c.-1091G>A (NM_001345991.2); c.-816G>A (NM_001345994.2); c.361-3075G>A (NM_001289052.2); short protein forms V133I, V11I, V44I.
Identifiers: ClinVar variation 1481166 (VCV001481166.5), dbSNP rs782516530, ClinGen allele CA2792996.

ClinVar aggregate classification (germline): Uncertain significance (1 of 4 stars; one submission).

Conditions:
Intellectual disability, autosomal recessive 53 (NEDHSCA). Also called: NEURODEVELOPMENTAL DISORDER WITH OR WITHOUT HYPOTONIA, SEIZURES, AND CEREBELLAR ATROPHY; GLYCOSYLPHOSPHATIDYLINOSITOL BIOSYNTHESIS DEFECT 13; Mental retardation, autosomal recessive 53. Identifiers: Orphanet 488635, MedGen C4310794, MONDO:0014832, OMIM 616917.

Allele frequency attached by ClinVar (database versions not stated): gnomAD exomes 0.00003 and 0.00004; ExAC 0.00004.
gnomAD v4.1: 49 of 1,613,256 alleles (0.003%); highest among the groups gnomAD compares: East Asian, 0.022%; no homozygotes.

Submission:

Labcorp Genetics (formerly Invitae), Labcorp
Classification: Uncertain significance for Intellectual disability, autosomal recessive 53. Last evaluated: 2021-09-24. Review status: criteria provided, single submitter. Criteria: Invitae Variant Classification Sherloc (09022015). Collection method: clinical testing. Allele origin: germline.
Comment: This sequence change replaces valine with isoleucine at codon 133 of the PIGG protein (p.Val133Ile). The valine residue is moderately conserved and there is a small physicochemical difference between valine and isoleucine. This variant is present in population databases (rs782516530, ExAC 0.05%). This variant has not been reported in the literature in individuals with PIGG-related conditions. Algorithms developed to predict the effect of missense changes on protein structure and function output the following: SIFT: "Tolerated"; PolyPhen-2: "Benign"; Align-GVGD: "Class C0". The isoleucine amino acid residue is found in multiple mammalian species, suggesting that this missense change does not adversely affect protein function. These predictions have not been confirmed by published functional studies and their clinical significance is uncertain. In summary, the available evidence is currently insufficient to determine the role of this variant in disease. Therefore, it has been classified as a Variant of Uncertain Significance.